The following is an entry in ClinVar:

NM_024926.4(IFT56):c.890G>A (p.Arg297His)

Gene: IFT56 (intraflagellar transport 56; plus strand). Cytogenetic location: 7q34.
Variant type: single nucleotide variant.
Coding change: c.890G>A on transcript NM_024926.4 (MANE Select); coding-DNA position 890, G replaced by A.
Protein change: p.Arg297His; replaces arginine 297 with histidine.
Molecular consequence: missense variant.
Genome position (GRCh38, 1-based): chr7:139,165,229, G>A. VCF-style: chr7-139165229-G-A. GRCh37 (hg19) VCF-style: chr7-138849975-G-A.
Other names: c.890G>A, p.Arg297His (NM_001144920.3, NM_001321740.2); c.797G>A, p.Arg266His (NM_001144923.3); c.497G>A, p.Arg166His (NM_001287512.2); c.575G>A, p.Arg192His (NM_001287513.2); c.470G>A, p.Arg157His (NM_001318333.2); c.572G>A, p.Arg191His (NM_001321741.2); short protein forms R157H, R266H, R166H, R192H, R191H, R297H.
Identifiers: ClinVar variation 4794314 (VCV004794314.1).

ClinVar aggregate classification (germline): Uncertain significance (1 of 4 stars; one submission).

gnomAD v4.1: 13 of 1,610,174 alleles (0.00081%); highest among the groups gnomAD compares: Admixed American, 0.005%; no homozygotes.

Submission:

Labcorp Genetics (formerly Invitae), Labcorp
Classification: Uncertain significance. Last evaluated: 2024-11-05. Review status: criteria provided, single submitter. Criteria: Invitae Variant Classification Sherloc (09022015). Collection method: clinical testing. Allele origin: germline.
Comment: This sequence change replaces arginine, which is basic and polar, with histidine, which is basic and polar, at codon 297 of the TTC26 protein (p.Arg297His). The frequency data for this variant in the population databases is considered unreliable, as metrics indicate poor data quality at this position in the gnomAD database. This variant has not been reported in the literature in individuals affected with TTC26-related conditions. Invitae Evidence Modeling of protein sequence and biophysical properties (such as structural, functional, and spatial information, amino acid conservation, physicochemical variation, residue mobility, and thermodynamic stability) indicates that this missense variant is not expected to disrupt TTC26 protein function with a negative predictive value of 80%. In summary, the available evidence is currently insufficient to determine the role of this variant in disease. Therefore, it has been classified as a Variant of Uncertain Significance.